The following is an entry in ClinVar:

ClinVar aggregate classification (germline): Uncertain significance (3 of 4 stars; one submission).

Conditions:
Open-angle glaucoma. Identifiers: MedGen C0017612, MONDO:0005338, HP:0012108.

Allele frequency attached by ClinVar (database versions not stated): gnomAD 0.00001; gnomAD exomes 0.00001; TOPMed 0.00003.
gnomAD v4.1: 24 of 1,614,076 alleles (0.0015%); highest among the groups gnomAD compares: Admixed American, 0.0033%; no homozygotes.

Submission:

ClinGen Glaucoma Variant Curation Expert Panel
Classification: Uncertain significance for Open-angle glaucoma. Last evaluated: 2025-11-12. Review status: reviewed by expert panel. Criteria: ClinGen Glaucoma ACMG Specifications V2.0.0 Approved. Collection method: curation. Allele origin: germline. Inheritance: Autosomal dominant inheritance.
Comment: The c.141C>T variant in MYOC is a synonymous variant (p.Cys47=). The highest minor allele frequency of this variant was in the Admixed American genetic ancestry group of gnomAD (v4.1.0) = 0.00003333 (2 alleles out of 59,998), which met the ≤ 0.0001 threshold set for PM2_Supporting in a genetic ancestry group of at least 10,000 alleles. The SpliceAI score = 0, which met the ≤ 0.1 threshold for BP4, suggesting that the variant does not impact MYOC function. This synonymous variant meets BP4, so BP7 is met. There was no functional evidence predicting a damaging or benign impact of this variant on MYOC function. 2 probands with primary open angle glaucoma have been reported carrying this variant (PMID: 33725475), which met PS4_Supporting (≥ 2 probands). In summary, this variant met the criteria to receive a score of 0 and to be classified as a variant of uncertain significance (uncertain significance classification range -1 to 5, adapted from PMID: 32720330) for primary open angle glaucoma based on the ACMG/AMP criteria met, as specified by the ClinGen Glaucoma VCEP (v2.0.0, 5 Dec 2024): BP4, BP7, PS4_Supporting, PM2_Supporting.

NM_000261.2(MYOC):c.141C>T (p.Cys47=)

Gene: MYOC (myocilin; minus strand). Cytogenetic location: 1q24.3.
Variant type: single nucleotide variant.
Coding change: c.141C>T on transcript NM_000261.2 (MANE Select); coding-DNA position 141, C replaced by T.
Protein change: p.Cys47=; no amino-acid change (cysteine 47 retained).
Molecular consequence: synonymous variant.
Genome position (GRCh38, 1-based): chr1:171,652,471, G>A on the plus strand (C>T on the coding strand, the complement: MYOC is on the minus strand). VCF-style: chr1-171652471-G-A. GRCh37 (hg19) VCF-style: chr1-171621611-G-A.
Other names: NM_000261.2:c.141C>T.
Identifiers: ClinVar variation 1703223 (VCV001703223.2), dbSNP rs1439192102, ClinGen allele CA421938891.